The following is an entry in ClinVar:

ClinVar aggregate classification (germline): Conflicting classifications of pathogenicity. Review status: criteria provided, conflicting classifications (1 of 4 stars). 5 submissions from 5 submitters: Pathogenic (1); Likely pathogenic (3); Uncertain significance (1). Last evaluated 2025-12-29.

Conditions:
Mitochondrial complex I deficiency, nuclear type 19. Also called: Mitochondrial complex 1 deficiency, nuclear type 19. Identifiers: MedGen C4748791, MONDO:0032624, OMIM 618241.

Allele frequency attached by ClinVar (database versions not stated): ExAC 0.00001; gnomAD 0.00004; TOPMed 0.00004; 1000 Genomes Project 0.00020; 1000 Genomes Project 30x 0.00031.

Submissions (5):

Labcorp Genetics (formerly Invitae), Labcorp
Classification: Likely pathogenic. Last evaluated: 2025-12-29. Review status: criteria provided, single submitter. Criteria: Invitae Variant Classification Sherloc (09022015). Collection method: clinical testing. Allele origin: germline.
Comment: This sequence change replaces valine, which is neutral and non-polar, with methionine, which is neutral and non-polar, at codon 421 of the FOXRED1 protein (p.Val421Met). This variant is present in population databases (rs199542988, gnomAD 0.008%). This missense change has been observed in individual(s) with clinical features of mitochondrial complex I deficiency (PMID: 27215383, 32573669). In at least one individual the data is consistent with being in trans (on the opposite chromosome) from a pathogenic variant. ClinVar contains an entry for this variant (Variation ID: 870426). Invitae Evidence Modeling of protein sequence and biophysical properties (such as structural, functional, and spatial information, amino acid conservation, physicochemical variation, residue mobility, and thermodynamic stability) indicates that this missense variant is expected to disrupt FOXRED1 protein function with a positive predictive value of 80%. In summary, the currently available evidence indicates that the variant is pathogenic, but additional data are needed to prove that conclusively. Therefore, this variant has been classified as Likely Pathogenic.

Laboratorio de Genetica e Diagnostico Molecular, Hospital Israelita Albert Einstein
Classification: Likely pathogenic for Mitochondrial complex I deficiency, nuclear type 19. Last evaluated: 2024-09-06. Review status: criteria provided, single submitter. Criteria: ACMG Guidelines, 2015. Collection method: clinical testing. Allele origin: germline. Affected: yes.
Comment: ACMG classification criteria: PS3 supporting, PM2 supporting, PM3 strong

Biomedical Genomics and Oncogenetics Laboratory, Institut Pasteur de Tunis, University Tunis El Manar
Classification: Uncertain significance for Mitochondrial complex I deficiency, nuclear type 19. Last evaluated: 2023-01-15. Review status: criteria provided, single submitter. Criteria: ACMG Guidelines, 2015. Collection method: research. Allele origin: germline. Affected: yes. Observed: 3 variant alleles.

Institute of Medical Genetics and Applied Genomics, University Hospital Tübingen
Classification: Likely pathogenic. Last evaluated: 2020-10-23. Review status: criteria provided, single submitter. Criteria: ACMG Guidelines, 2015. Collection method: clinical testing. Allele origin: germline. Inheritance: Autosomal recessive inheritance. Affected: yes.

Victorian Clinical Genetics Services, Murdoch Childrens Research Institute
Classification: Pathogenic for Mitochondrial complex I deficiency, nuclear type 19. Last evaluated: 2019-01-14. Review status: criteria provided, single submitter. Criteria: ACMG Guidelines, 2015. Collection method: clinical testing. Allele origin: maternal. Affected: yes. Observed: 2 variant alleles.
Comment: A heterozygous missense variant, NM_017547.3(FOXRED1):c.1261G>A, has been identified in exon 11 of 11 within the FOXRED1 gene. The variant is predicted to result in a minor amino acid change from valine to methionine at position 421 of the protein (NP_060017.1(FOXRED1):p.(Val421Met)). The valine residue at this position has moderate conservation (100 vertebrates, UCSC), and is located within the DOA (FAD dependent oxidoreductase) functional domain. In silico predictions for this variant are consistently pathogenic (Polyphen, SIFT, CADD, Mutation Taster). The variant is present in the gnomAD database at a frequency of 0.001% (4 heterozygotes, 0 homozygotes). The variant has been previously described as pathogenic in two individuals with mitochondrial complex I deficiency (Zurita Rendom et al., (2016), Ahmed et al., (2017)). in addition, functional analysis showed the variant is the cause of an assembly deficiency in complex I, and that FOXRED1 is required for complex II assembly in myoblasts (Zurita Rendon et al., 2016). Based on the information available at the time of curation, this variant has been classified as PATHOGENIC.

Literature cited by the submitters: PubMed 27215383 (cited by Labcorp Genetics (formerly Invitae), Labcorp and Biomedical Genomics and Oncogenetics Laboratory, Institut Pasteur de Tunis, University Tunis El Manar); PubMed 32573669 (cited by Labcorp Genetics (formerly Invitae), Labcorp).

NM_017547.4(FOXRED1):c.1261G>A (p.Val421Met)

Gene: FOXRED1 (FAD dependent oxidoreductase domain containing 1; plus strand). Cytogenetic location: 11q24.2.
Variant type: single nucleotide variant.
Coding change: c.1261G>A on transcript NM_017547.4 (MANE Select); coding-DNA position 1261, G replaced by A.
Protein change: p.Val421Met; replaces valine 421 with methionine.
Molecular consequence: missense variant. On other transcripts: non-coding transcript variant (2).
Genome position (GRCh38, 1-based): chr11:126,277,489, G>A. VCF-style: chr11-126277489-G-A. GRCh37 (hg19) VCF-style: chr11-126147384-G-A.
Other names: short protein forms V421M.
Identifiers: ClinVar variation 870426 (VCV000870426.10), dbSNP rs199542988, ClinGen allele CA6354431.